The following is an entry in ClinVar:

NM_014629.4(ARHGEF10):c.2527G>T (p.Asp843Tyr)

Gene: ARHGEF10 (Rho guanine nucleotide exchange factor 10; plus strand). Cytogenetic location: 8p23.3.
Variant type: single nucleotide variant.
Coding change: c.2527G>T on transcript NM_014629.4 (MANE Select); coding-DNA position 2527, G replaced by T.
Protein change: p.Asp843Tyr; replaces aspartic acid 843 with tyrosine.
Molecular consequence: missense variant.
Genome position (GRCh38, 1-based): chr8:1,925,321, G>T. VCF-style: chr8-1925321-G-T. GRCh37 (hg19) VCF-style: chr8-1873487-G-T.
Other names: c.2413G>T, p.Asp805Tyr (NM_001308152.2); c.2527G>T, p.Asp843Tyr (NM_001308153.3); short protein forms D805Y, D843Y, D867Y.
Identifiers: ClinVar variation 2834754 (VCV002834754.3), dbSNP rs1812602496, ClinGen allele CA369966528.

ClinVar aggregate classification (germline): Uncertain significance (1 of 4 stars; one submission).

Submission:

Labcorp Genetics (formerly Invitae), Labcorp
Classification: Uncertain significance. Last evaluated: 2023-11-05. Review status: criteria provided, single submitter. Criteria: Invitae Variant Classification Sherloc (09022015). Collection method: clinical testing. Allele origin: germline.
Comment: This sequence change replaces aspartic acid, which is acidic and polar, with tyrosine, which is neutral and polar, at codon 843 of the ARHGEF10 protein (p.Asp843Tyr). This variant is not present in population databases (gnomAD no frequency). This variant has not been reported in the literature in individuals affected with ARHGEF10-related conditions. Advanced modeling of protein sequence and biophysical properties (such as structural, functional, and spatial information, amino acid conservation, physicochemical variation, residue mobility, and thermodynamic stability) performed at Invitae indicates that this missense variant is not expected to disrupt ARHGEF10 protein function with a negative predictive value of 80%. In summary, the available evidence is currently insufficient to determine the role of this variant in disease. Therefore, it has been classified as a Variant of Uncertain Significance.